The following is an entry in ClinVar:

NM_001267550.2(TTN):c.33248-8C>G

Gene: TTN (titin; minus strand). Cytogenetic location: 2q31.2.
Variant type: single nucleotide variant.
Coding change: c.33248-8C>G on transcript NM_001267550.2 (MANE Select); 8 bases into the intron before coding-DNA position 33248, C replaced by G.
Molecular consequence: intron variant.
Genome position (GRCh38, 1-based): chr2:178,681,179, G>C on the plus strand (C>G on the coding strand, the complement: TTN is on the minus strand). VCF-style: chr2-178681179-G-C. GRCh37 (hg19) VCF-style: chr2-179545906-G-C.
Other names: c.13283-38862C>G (NM_003319.4); c.13859-38862C>G (NM_133437.4); c.13658-38862C>G (NM_133432.3); c.29516-8C>G (NM_133378.4); c.32297-8C>G (NM_001256850.1).
Identifiers: ClinVar variation 229420 (VCV000229420.16), dbSNP rs766957102, ClinGen allele CA1998404.

ClinVar aggregate classification (germline): Uncertain significance. Review status: criteria provided, multiple submitters, no conflicts (2 of 4 stars). 9 submissions from 5 submitters: Uncertain significance (8). 1 of the submissions does not count toward it. Last evaluated 2025-03-21.

Conditions:
TTN-related disorder. Also called: TTN-related condition; TTN-related disease; TTN-related disorders.
Early-onset myopathy with fatal cardiomyopathy (CMYO5). Also called: CONGENITAL MYOPATHY 5 WITH CARDIOMYOPATHY; Salih Myopathy. Identifiers: Orphanet 289377, MedGen C2673677, MONDO:0012714, OMIM 611705. Disease mechanism: loss of function.
Myopathy, myofibrillar, 9, with early respiratory failure (MFM9). Also called: EDSTROM MYOPATHY; MYOPATHY, PROXIMAL, WITH EARLY RESPIRATORY MUSCLE INVOLVEMENT; Hereditary myopathy with early respiratory failure; Myopathy, distal, with early respiratory failure, autosomal dominant. Identifiers: Orphanet 178464, Orphanet 34521, MedGen C1863599, MONDO:0011362, OMIM 603689.
Autosomal recessive limb-girdle muscular dystrophy type 2J (LGMDR10). Also called: MUSCULAR DYSTROPHY, LIMB-GIRDLE, AUTOSOMAL RECESSIVE 10; Limb-girdle muscular dystrophy, type 2J. Identifiers: Orphanet 140922, MedGen C1837342, MONDO:0012127, OMIM 608807.
Tibial muscular dystrophy (TMD). Also called: Udd Distal Myopathy – Tibial Muscular Dystrophy; UDD MYOPATHY; Tibial muscular dystrophy, tardive. Identifiers: Orphanet 609, MedGen C1838244, MONDO:0010870, OMIM 600334.
Dilated cardiomyopathy 1G (CMD1G). Identifiers: Orphanet 154, MedGen C1858763, MONDO:0011400, OMIM 604145.

Allele frequency attached by ClinVar (database versions not stated): ExAC 0.00001; gnomAD 0.00001; gnomAD exomes 0.00002; TOPMed 0.00002.
gnomAD v4.1: 7 of 1,590,632 alleles (0.00044%); highest among the groups gnomAD compares: Admixed American, 0.0073%; no homozygotes.

Submissions (9):

GeneDx
Classification: Uncertain significance. Last evaluated: 2025-03-21. Review status: criteria provided, single submitter. Criteria: GeneDx Variant Classification Process June 2021. Collection method: clinical testing. Allele origin: germline. Affected: yes.
Comment: Not observed at significant frequency in large population cohorts (gnomAD); In silico analysis indicates that this variant does not alter splicing; Has not been previously published as pathogenic or benign to our knowledge

Illumina Laboratory Services, Illumina
Classification: Uncertain significance for Dilated cardiomyopathy 1G. Last evaluated: 2018-01-13. Review status: criteria provided, single submitter. Criteria: ICSL Variant Classification Criteria 13 December 2019. Collection method: clinical testing. Allele origin: germline.

Illumina Laboratory Services, Illumina
Classification: Uncertain significance for Myopathy, myofibrillar, 9, with early respiratory failure. Last evaluated: 2018-01-13. Review status: criteria provided, single submitter. Criteria: ICSL Variant Classification Criteria 13 December 2019. Collection method: clinical testing. Allele origin: germline.

Illumina Laboratory Services, Illumina
Classification: Uncertain significance for Early-onset myopathy with fatal cardiomyopathy. Last evaluated: 2018-01-13. Review status: criteria provided, single submitter. Criteria: ICSL Variant Classification Criteria 13 December 2019. Collection method: clinical testing. Allele origin: germline.

Illumina Laboratory Services, Illumina
Classification: Uncertain significance for Autosomal recessive limb-girdle muscular dystrophy type 2J. Last evaluated: 2018-01-13. Review status: criteria provided, single submitter. Criteria: ICSL Variant Classification Criteria 13 December 2019. Collection method: clinical testing. Allele origin: germline.

Illumina Laboratory Services, Illumina
Classification: Uncertain significance for Tibial muscular dystrophy. Last evaluated: 2018-01-13. Review status: criteria provided, single submitter. Criteria: ICSL Variant Classification Criteria 13 December 2019. Collection method: clinical testing. Allele origin: germline.

Laboratory for Molecular Medicine, Mass General Brigham Personalized Medicine
Classification: Uncertain significance. Last evaluated: 2016-01-08. Review status: criteria provided, single submitter. Criteria: LMM Criteria. Collection method: clinical testing. Allele origin: germline. Observed: 1 variant allele.
Comment: The c.29516-8C>G variant in TTN has not been previously reported in individuals with cardiomyopathy, but has been identified in 1/10114 Latino chromosomes by th e Exome Aggregation Consortium (ExAC). This vari ant is located in the 3' splice region. Computational tools do not suggest an im pact to splicing. However, this information is not predictive enough to rule out pathogenicity. In summary, the clinical significance of the c.29516-8C>G varian t is uncertain.

Eurofins Ntd Llc (ga)
Classification: Uncertain significance. Last evaluated: 2015-11-18. Review status: criteria provided, single submitter. Criteria: EGL Classification Definitions 2015. Collection method: clinical testing. Allele origin: germline. Observed: 1 variant allele, 1 heterozygote.

PreventionGenetics, part of Exact Sciences
Classification: Likely benign for TTN-related condition. Last evaluated: 2023-05-22. Review status: no assertion criteria provided. Collection method: clinical testing. Allele origin: germline. Not counted in ClinVar's aggregate classification.
Comment: This variant is classified as likely benign based on ACMG/AMP sequence variant interpretation guidelines (Richards et al. 2015 PMID: 25741868, with internal and published modifications).